The following is an entry in ClinVar:

NM_001365951.3(KIF1B):c.3830G>A (p.Gly1277Asp)

Gene: KIF1B (kinesin family member 1B; plus strand). Cytogenetic location: 1p36.22.
Variant type: single nucleotide variant.
Coding change: c.3830G>A on transcript NM_001365951.3 (MANE Select); coding-DNA position 3830, G replaced by A.
Protein change: p.Gly1277Asp; replaces glycine 1277 with aspartic acid.
Molecular consequence: missense variant.
Genome position (GRCh38, 1-based): chr1:10,347,793, G>A. VCF-style: chr1-10347793-G-A. GRCh37 (hg19) VCF-style: chr1-10407851-G-A.
Other names: c.3830G>A, p.Gly1277Asp (NM_001365952.1); c.3692G>A, p.Gly1231Asp (NM_015074.3); short protein forms G1231D, G1277D.
Identifiers: ClinVar variation 2633524 (VCV002633524.2), dbSNP rs1569870848, ClinGen allele CA338343186.
Genomic context (GRCh38, chr1:10,347,793, plus strand): 5'-TTTTTTCTTTTGCGTTTCTATTTTTTAGGTATATCCCAGCTGTGGTTGACCACACAGCAG[G>A]CTTGCCTTGCCAGGGGACATTTTTGCTTCATCAGGTACTAATGAGGGACCAAAACAGGCA-3'
Protein context (NP_001352880.1, residues 1267-1287): YIPAVVDHTA[Gly1277Asp]LPCQGTFLLH

ClinVar aggregate classification (germline): Uncertain significance. Review status: criteria provided, multiple submitters, no conflicts (2 of 4 stars). 2 submissions from 2 submitters: Uncertain significance (2). Last evaluated 2026-05-14.

Conditions:
KIF1B-related disorder. Also called: KIF1B-related condition.

Submissions (2):

Ambry Genetics
Classification: Uncertain significance. Last evaluated: 2026-05-14. Review status: criteria provided, single submitter. Criteria: Ambry Variant Classification Scheme 2023. Collection method: clinical testing. Allele origin: germline.
Comment: The p.G1231D variant (also known as c.3692G>A), located in coding exon 33 of the KIF1B gene, results from a G to A substitution at nucleotide position 3692. The glycine at codon 1231 is replaced by aspartic acid, an amino acid with similar properties. This amino acid position is conserved. In addition, this alteration is predicted to be deleterious by in silico analysis. Based on the available evidence, the clinical significance of this variant remains unclear.

PreventionGenetics, part of Exact Sciences
Classification: Uncertain significance for KIF1B-related condition. Last evaluated: 2023-08-07. Review status: criteria provided, single submitter. Criteria: ACMG Guidelines, 2015. Collection method: clinical testing. Allele origin: germline.
Comment: The KIF1B c.3692G>A variant is predicted to result in the amino acid substitution p.Gly1231Asp. To our knowledge, this variant has not been reported in the literature or in a large population database, indicating this variant is rare. At this time, the clinical significance of this variant is uncertain due to the absence of conclusive functional and genetic evidence.